The following is an entry in ClinVar:

ClinVar aggregate classification (germline): Uncertain significance. Review status: criteria provided, multiple submitters, no conflicts (2 of 4 stars). 2 submissions from 2 submitters: Uncertain significance (2). Last evaluated 2025-05-27.

Conditions:
Familial thoracic aortic aneurysm and aortic dissection (TAAD). Also called: Thoracic aortic aneurysms and dissections. Identifiers: Orphanet 91387, MedGen C4707243, MONDO:0019625.

Allele frequency attached by ClinVar (database versions not stated): gnomAD exomes below 0.00001.
gnomAD v4.1: 1 of 1,613,102 alleles (0.000062%); highest among the groups gnomAD compares: Non-Finnish European, 0.000085%; no homozygotes.

Submissions (2):

Ambry Genetics
Classification: Uncertain significance for Familial thoracic aortic aneurysm and aortic dissection. Last evaluated: 2025-05-27. Review status: criteria provided, single submitter. Criteria: Ambry Variant Classification Scheme 2023. Collection method: clinical testing. Allele origin: germline.
Comment: The p.N1783K variant (also known as c.5349T>A), located in coding exon 37 of the MYH11 gene, results from a T to A substitution at nucleotide position 5349. The asparagine at codon 1783 is replaced by lysine, an amino acid with similar properties. This amino acid position is conserved. In addition, this alteration is predicted to be tolerated by in silico analysis. Based on the available evidence, the clinical significance of this variant remains unclear.

Color Diagnostics, LLC DBA Color Health
Classification: Uncertain significance for Familial thoracic aortic aneurysm and aortic dissection. Last evaluated: 2023-12-04. Review status: criteria provided, single submitter. Criteria: ACMG Guidelines, 2015. Collection method: clinical testing. Allele origin: germline.
Comment: Variant of Uncertain Significance due to insufficient evidence: This missense variant is located in the coiled coil myosin tail domain of the MYH11 protein. Computational prediction tools and conservation analyses are inconclusive regarding the impact of this variant on the protein function. Computational splicing tools suggest that this variant may not impact RNA splicing. To our knowledge, functional assays have not been performed for this variant nor has this variant been reported in individuals affected with cardiovascular disorders in the literature. This variant is rare in the general population and has been identified in 0/277264 chromosomes by the Genome Aggregation Database (gnomAD). Available evidence is insufficient to determine the role of this variant in disease conclusively.

NM_002474.3(MYH11):c.5349T>A (p.Asn1783Lys)

Genes: MYH11 (myosin heavy chain 11; minus strand), NDE1 (nudE neurodevelopment protein 1; plus strand). Cytogenetic location: 16p13.11.
Variant type: single nucleotide variant.
Coding change: c.5349T>A on transcript NM_002474.3 (MANE Select); coding-DNA position 5349, T replaced by A.
Protein change: p.Asn1783Lys; replaces asparagine 1783 with lysine.
Molecular consequence: missense variant. On other transcripts: intron variant (2).
Genome position (GRCh38, 1-based): chr16:15,717,295, A>T on the plus strand (T>A on the coding strand, the complement: MYH11 is on the minus strand). VCF-style: chr16-15717295-A-T. GRCh37 (hg19) VCF-style: chr16-15811152-A-T.
Other names: c.5370T>A, p.Asn1790Lys (NM_001040113.2, NM_001040114.2); c.5349T>A, p.Asn1783Lys (NM_022844.3); c.948-6896A>T (NM_001143979.2, NM_017668.3); c.5349T>A (NM_002474.2); short protein forms N1783K, N1790K.
Identifiers: ClinVar variation 918829 (VCV000918829.6), dbSNP rs112201211, ClinGen allele CA278595129.